The following is an entry in ClinVar:

NM_130468.4(CHST14):c.929T>C (p.Leu310Pro)

Gene: CHST14 (carbohydrate sulfotransferase 14; plus strand). Cytogenetic location: 15q15.1.
Variant type: single nucleotide variant.
Coding change: c.929T>C on transcript NM_130468.4 (MANE Select); coding-DNA position 929, T replaced by C.
Protein change: p.Leu310Pro; replaces leucine 310 with proline.
Molecular consequence: missense variant.
Genome position (GRCh38, 1-based): chr15:40,472,142, T>C. VCF-style: chr15-40472142-T-C. GRCh37 (hg19) VCF-style: chr15-40764341-T-C.
Other names: short protein forms L310P.
Identifiers: ClinVar variation 3339283 (VCV003339283.1).

ClinVar aggregate classification (germline): Uncertain significance (1 of 4 stars; one submission).

Submission:

Women's Health and Genetics/Laboratory Corporation of America, LabCorp
Classification: Uncertain significance. Last evaluated: 2024-07-29. Review status: criteria provided, single submitter. Criteria: LabCorp Variant Classification Summary - May 2015. Collection method: clinical testing. Allele origin: germline.
Comment: Variant summary: CHST14 c.929T>C (p.Leu310Pro) results in a non-conservative amino acid change in the encoded protein sequence. Five of five in-silico tools predict a damaging effect of the variant on protein function. The variant was absent in 251366 control chromosomes. The available data on variant occurrences in the general population are insufficient to allow any conclusion about variant significance. To our knowledge, no occurrence of c.929T>C in individuals affected with Ehlers-Danlos Syndrome, Musculocontractural Type and no experimental evidence demonstrating its impact on protein function have been reported. No submitters have cited clinical-significance assessments for this variant to ClinVar. Based on the evidence outlined above, the variant was classified as uncertain significance.